The following is an entry in ClinVar:

NM_000057.4(BLM):c.2755C>A (p.His919Asn)

Gene: BLM (BLM RecQ like helicase; plus strand). Cytogenetic location: 15q26.1.
Variant type: single nucleotide variant.
Coding change: c.2755C>A on transcript NM_000057.4 (MANE Select); coding-DNA position 2755, C replaced by A.
Protein change: p.His919Asn; replaces histidine 919 with asparagine.
Molecular consequence: missense variant.
Genome position (GRCh38, 1-based): chr15:90,785,013, C>A. VCF-style: chr15-90785013-C-A. GRCh37 (hg19) VCF-style: chr15-91328243-C-A.
Other names: c.2755C>A, p.His919Asn (NM_001287246.2, NM_001287247.2); c.1630C>A, p.His544Asn (NM_001287248.2); c.2755C>A (NM_000057.2, NM_000057.3); short protein forms H544N, H919N.
Identifiers: ClinVar variation 1465834 (VCV001465834.7), dbSNP rs1284859576, ClinGen allele CA393846038.

ClinVar aggregate classification (germline): Uncertain significance. Review status: criteria provided, multiple submitters, no conflicts (2 of 4 stars). 3 submissions from 3 submitters: Uncertain significance (2). 1 of the submissions does not count toward it. Last evaluated 2024-10-23.

Conditions:
Hereditary cancer-predisposing syndrome. Also called: Tumor predisposition; Hereditary neoplastic syndrome; Hereditary Cancer Syndrome; Neoplastic Syndromes, Hereditary. Identifiers: Orphanet 140162, MedGen C0027672, MeSH D009386, MONDO:0015356.
Bloom syndrome (BLM). Also called: Bloom-Torre-Machacek syndrome. Identifiers: Orphanet 125, MedGen C0005859, MONDO:0008876, OMIM 210900.

Submissions (3):

Ambry Genetics
Classification: Uncertain significance for Hereditary cancer-predisposing syndrome. Last evaluated: 2024-10-23. Review status: criteria provided, single submitter. Criteria: Ambry Variant Classification Scheme 2023. Collection method: clinical testing. Allele origin: germline.
Comment: The p.H919N variant (also known as c.2755C>A), located in coding exon 13 of the BLM gene, results from a C to A substitution at nucleotide position 2755. The histidine at codon 919 is replaced by asparagine, an amino acid with similar properties. This amino acid position is conserved. In addition, the in silico prediction for this alteration is inconclusive. Based on the available evidence, the clinical significance of this variant remains unclear.

Labcorp Genetics (formerly Invitae), Labcorp
Classification: Uncertain significance for Bloom syndrome. Last evaluated: 2022-04-04. Review status: criteria provided, single submitter. Criteria: Invitae Variant Classification Sherloc (09022015). Collection method: clinical testing. Allele origin: germline.
Comment: This sequence change replaces histidine, which is basic and polar, with asparagine, which is neutral and polar, at codon 919 of the BLM protein (p.His919Asn). This variant is not present in population databases (gnomAD no frequency). This variant has not been reported in the literature in individuals affected with BLM-related conditions. Algorithms developed to predict the effect of missense changes on protein structure and function are either unavailable or do not agree on the potential impact of this missense change (SIFT: "Deleterious"; PolyPhen-2: "Probably Damaging"; Align-GVGD: "Class C0"). In summary, the available evidence is currently insufficient to determine the role of this variant in disease. Therefore, it has been classified as a Variant of Uncertain Significance.

Natera, Inc.
Classification: Uncertain significance for Bloom syndrome. Last evaluated: 2025-04-13. Review status: no assertion criteria provided. Collection method: clinical testing. Allele origin: germline. Not counted in ClinVar's aggregate classification.